The following is an entry in ClinVar:

NM_000492.4(CFTR):c.3106A>G (p.Thr1036Ala)

Genes: CFTR (CF transmembrane conductance regulator; plus strand), CFTR-AS2 (CFTR antisense RNA 2; minus strand), LOC111674472 (DNase I hypersensitive sites in introns 16 and 17a of CFTR; plus strand). Cytogenetic location: 7q31.2.
Variant type: single nucleotide variant.
Coding change: c.3106A>G on transcript NM_000492.4 (MANE Select); coding-DNA position 3106, A replaced by G.
Protein change: p.Thr1036Ala; replaces threonine 1036 with alanine.
Molecular consequence: missense variant.
Genome position (GRCh38, 1-based): chr7:117,610,636, A>G. VCF-style: chr7-117610636-A-G. GRCh37 (hg19) VCF-style: chr7-117250690-A-G.
Other names: short protein forms T1036A.
Identifiers: ClinVar variation 2577297 (VCV002577297.1), dbSNP rs2485129118, ClinGen allele CA368990795.
Genomic context (GRCh38, chr7:117,610,636, plus strand): 5'-TTTGTTGCAACAGTGCCAGTGATAGTGGCTTTTATTATGTTGAGAGCATATTTCCTCCAA[A>G]CCTCACAGCAACTCAAACAACTGGAATCTGAAGGTATGACAGTGAATGTGCGATACTCAT-3'
Protein context (NP_000483.3, residues 1026-1046): FIMLRAYFLQ[Thr1036Ala]SQQLKQLESE

ClinVar aggregate classification (germline): Likely pathogenic (1 of 4 stars; one submission).

Conditions:
Cystic fibrosis (CF). Also called: MUCOVISCIDOSIS. Identifiers: Orphanet 586, MedGen C0010674, MONDO:0009061, OMIM 219700. Disease mechanism: loss of function.

Allele frequency attached by ClinVar (database versions not stated): gnomAD exomes below 0.00001.
gnomAD v4.1: 1 of 1,613,488 alleles (0.000062%); highest among the groups gnomAD compares: African/African-American, 0.0013%; no homozygotes.

Submission:

Women's Health and Genetics/Laboratory Corporation of America, LabCorp
Classification: Likely pathogenic for Cystic fibrosis. Last evaluated: 2023-07-28. Review status: criteria provided, single submitter. Criteria: LabCorp Variant Classification Summary - May 2015. Collection method: clinical testing. Allele origin: germline.
Comment: Variant summary: CFTR c.3106A>G (p.Thr1036Ala) results in a non-conservative amino acid change located in the transmembrane domain (IPR011527) of the encoded protein sequence. Four of five in-silico tools predict a damaging effect of the variant on protein function. Computational tools predict no significant impact on normal splicing. However, these predictions have yet to be confirmed by functional studies. The variant was absent in 250950 control chromosomes (gnomAD v2.1 Exomes dataset). To our knowledge, no occurrence of c.3106A>G in individuals affected with Cystic Fibrosis and no experimental evidence demonstrating its impact on protein function have been reported. No submitters have cited clinical-significance assessments for this variant to ClinVar after 2014. However, two different missense variants affecting the same codon, namely c.3107C>A (p.Thr1036Asn) and c.3107C>T (p.Thr1036Ile), have been reported by our lab as pathogenic and likely pathogenic, respectively, suggesting variants that impact this residue are likely to be associated with disease. Based on the evidence outlined above, the variant was classified as likely pathogenic.